The following is an entry in ClinVar:

NM_015443.4(KANSL1):c.766T>C (p.Ser256Pro)

Gene: KANSL1 (KAT8 regulatory NSL complex subunit 1). Cytogenetic location: 17q21.31.
Variant type: single nucleotide variant.
Coding change: c.766T>C on transcript NM_015443.4 (MANE Select); coding-DNA position 766, T replaced by C.
Protein change: p.Ser256Pro; replaces serine 256 with proline.
Molecular consequence: missense variant. On other transcripts: intron variant (4).
Genome position (GRCh38, 1-based): chr17:46,171,378, A>G on the plus strand (T>C on the coding strand, the complement: KANSL1 is on the minus strand). VCF-style: chr17-46171378-A-G. GRCh37 (hg19) VCF-style: chr17-44248744-A-G.
Other names: c.766T>C, p.Ser256Pro (NM_001405861.1, NM_001405872.1, NM_001405873.1 and 18 more transcripts); c.23+52293T>C (NM_001405885.1, NM_001405884.1, NM_001405883.1 and 1 more transcripts); short protein forms S256P.
Identifiers: ClinVar variation 3731347 (VCV003731347.1).

ClinVar aggregate classification (germline): Uncertain significance (1 of 4 stars; one submission).

Conditions:
Koolen-de Vries syndrome (KDVS). Identifiers: Orphanet 96169, MedGen C1864871, MONDO:0012496, OMIM 610443.

Submission:

Neuberg Centre For Genomic Medicine, NCGM
Classification: Uncertain significance for Koolen-de Vries syndrome. Last evaluated: 2023-06-22. Review status: criteria provided, single submitter. Criteria: ACMG Guidelines, 2015. Collection method: clinical testing. Allele origin: germline. Inheritance: Autosomal dominant inheritance. Affected: yes.
Comment: The observed missense variant c.766T>C(p.Ser256Pro) in the KANSL1 gene has not been reported previously as a pathogenic variant nor as a benign variant, to our knowledge. This variant is absent in the gnomAD Exomes. The amino acid Ser at position 256 is changed to a Pro changing protein sequence and it might alter its composition and physico-chemical properties. Computational evidence (Polyphen - Benign, SIFT - Tolerated and MutationTaster - Disease causing) predicts conflicting evidence on protein structure and function for this variant.. The residue is conserved by GERP++ and PhyloP across 100 vertebrates. For these reasons, this variant has been classified as Uncertain Significance.